The following is an entry in ClinVar:

ClinVar aggregate classification (germline): Uncertain significance (1 of 4 stars; one submission).

Conditions:
Sialuria. Also called: Sialic Acid Storage Disease; SIALURIA, FRENCH TYPE. Identifiers: Orphanet 3166, MedGen C0342853, MONDO:0010028, OMIM 269921.
GNE myopathy (NM). Also called: INCLUSION BODY MYOPATHY, HEREDITARY, AUTOSOMAL RECESSIVE; INCLUSION BODY MYOPATHY 2, AUTOSOMAL RECESSIVE; MYOPATHY, DISTAL, WITH OR WITHOUT RIMMED VACUOLES; IBM 2; Inclusion body myopathy autosomal recessive; Inclusion body myopathy quadriceps sparing. Identifiers: Orphanet 602, MedGen C1853926, MONDO:0011603, OMIM 605820.

gnomAD v4.1: 1 of 1,613,722 alleles (0.000062%); highest among the groups gnomAD compares: Admixed American, 0.0017%; no homozygotes.

Submission:

Labcorp Genetics (formerly Invitae), Labcorp
Classification: Uncertain significance for Sialuria; GNE myopathy. Last evaluated: 2025-11-03. Review status: criteria provided, single submitter. Criteria: Invitae Variant Classification Sherloc (09022015). Collection method: clinical testing. Allele origin: germline.
Comment: This sequence change replaces serine, which is neutral and polar, with arginine, which is basic and polar, at codon 230 of the GNE protein (p.Ser230Arg). This variant is present in population databases (no rsID available, gnomAD 0.003%). This variant has not been reported in the literature in individuals affected with GNE-related conditions. ClinVar contains an entry for this variant (Variation ID: 1714136). Invitae Evidence Modeling of protein sequence and biophysical properties (such as structural, functional, and spatial information, amino acid conservation, physicochemical variation, residue mobility, and thermodynamic stability) has been performed for this missense variant. However, the output from this modeling did not meet the statistical confidence thresholds required to predict the impact of this variant on GNE protein function. In summary, the available evidence is currently insufficient to determine the role of this variant in disease. Therefore, it has been classified as a Variant of Uncertain Significance.

NM_005476.7(GNE):c.597C>A (p.Ser199Arg)

Gene: GNE (glucosamine (UDP-N-acetyl)-2-epimerase/N-acetylmannosamine kinase; minus strand). Cytogenetic location: 9p13.3.
Variant type: single nucleotide variant.
Coding change: c.597C>A on transcript NM_005476.7 (MANE Select); coding-DNA position 597, C replaced by A.
Protein change: p.Ser199Arg; replaces serine 199 with arginine.
Molecular consequence: missense variant.
Genome position (GRCh38, 1-based): chr9:36,246,050, G>T on the plus strand (C>A on the coding strand, the complement: GNE is on the minus strand). VCF-style: chr9-36246050-G-T. GRCh37 (hg19) VCF-style: chr9-36246047-G-T.
Other names: c.690C>A, p.Ser230Arg (NM_001128227.3); c.597C>A, p.Ser199Arg (NM_001190383.3, NM_001374797.1); c.420C>A, p.Ser140Arg (NM_001190384.3, NM_001190388.2, NM_001374798.1); short protein forms S140R, S199R, S230R.
Identifiers: ClinVar variation 1714136 (VCV001714136.5), dbSNP rs1168584580, ClinGen allele CA373417997.